The following is an entry in ClinVar:

NM_004260.4(RECQL4):c.673T>A (p.Ser225Thr)

Gene: RECQL4 (RecQ like helicase 4; minus strand). Cytogenetic location: 8q24.3.
Variant type: single nucleotide variant.
Coding change: c.673T>A on transcript NM_004260.4 (MANE Select); coding-DNA position 673, T replaced by A.
Protein change: p.Ser225Thr; replaces serine 225 with threonine.
Molecular consequence: missense variant.
Genome position (GRCh38, 1-based): chr8:144,516,446, A>T on the plus strand (T>A on the coding strand, the complement: RECQL4 is on the minus strand). VCF-style: chr8-144516446-A-T. GRCh37 (hg19) VCF-style: chr8-145741830-A-T.
Other names: short protein forms S225T.
Identifiers: ClinVar variation 1516721 (VCV001516721.6), dbSNP rs1259887674, ClinGen allele CA372689785.

ClinVar aggregate classification (germline): Uncertain significance (1 of 4 stars; one submission).

Conditions:
Baller-Gerold syndrome (BGS). Also called: CRANIOSYNOSTOSIS WITH RADIAL DEFECTS. Identifiers: Orphanet 1225, MedGen C0265308, MONDO:0009039, OMIM 218600.

Submission:

Labcorp Genetics (formerly Invitae), Labcorp
Classification: Uncertain significance for Baller-Gerold syndrome. Last evaluated: 2021-03-14. Review status: criteria provided, single submitter. Criteria: Invitae Variant Classification Sherloc (09022015). Collection method: clinical testing. Allele origin: germline.
Comment: In summary, the available evidence is currently insufficient to determine the role of this variant in disease. Therefore, it has been classified as a Variant of Uncertain Significance. Experimental studies and prediction algorithms are not available or were not evaluated, and the functional significance of this variant is currently unknown. This variant has not been reported in the literature in individuals with RECQL4-related conditions. This variant is not present in population databases (ExAC no frequency). This sequence change replaces serine with threonine at codon 225 of the RECQL4 protein (p.Ser225Thr). The serine residue is weakly conserved and there is a small physicochemical difference between serine and threonine.